The following is an entry in ClinVar:

ClinVar aggregate classification (germline): Uncertain significance. Review status: criteria provided, multiple submitters, no conflicts (2 of 4 stars). 2 submissions from 2 submitters: Uncertain significance (2). Last evaluated 2025-09-08.

Conditions:
Inborn genetic diseases. Identifiers: MedGen C0950123, MeSH D030342.

Allele frequency attached by ClinVar (database versions not stated): TOPMed 0.00003.
gnomAD v4.1: 114 of 1,613,786 alleles (0.0071%); highest among the groups gnomAD compares: South Asian, 0.022%; no homozygotes.

Submissions (2):

Labcorp Genetics (formerly Invitae), Labcorp
Classification: Uncertain significance. Last evaluated: 2025-09-08. Review status: criteria provided, single submitter. Criteria: Invitae Variant Classification Sherloc (09022015). Collection method: clinical testing. Allele origin: germline.
Comment: This sequence change replaces arginine, which is basic and polar, with histidine, which is basic and polar, at codon 63 of the CSF2RB protein (p.Arg63His). This variant is present in population databases (rs202215481, gnomAD 0.01%). This variant has not been reported in the literature in individuals affected with CSF2RB-related conditions. ClinVar contains an entry for this variant (Variation ID: 1380501). Invitae Evidence Modeling of protein sequence and biophysical properties (such as structural, functional, and spatial information, amino acid conservation, physicochemical variation, residue mobility, and thermodynamic stability) indicates that this missense variant is not expected to disrupt CSF2RB protein function with a negative predictive value of 80%. In summary, the available evidence is currently insufficient to determine the role of this variant in disease. Therefore, it has been classified as a Variant of Uncertain Significance.

Ambry Genetics
Classification: Uncertain significance for Inborn genetic diseases. Last evaluated: 2021-11-15. Review status: criteria provided, single submitter. Criteria: Ambry Variant Classification Scheme 2023. Collection method: clinical testing. Allele origin: germline.

NM_000395.3(CSF2RB):c.188G>A (p.Arg63His)

Gene: CSF2RB (colony stimulating factor 2 receptor subunit beta; plus strand). Cytogenetic location: 22q12.3.
Variant type: single nucleotide variant.
Coding change: c.188G>A on transcript NM_000395.3 (MANE Select); coding-DNA position 188, G replaced by A.
Protein change: p.Arg63His; replaces arginine 63 with histidine.
Molecular consequence: missense variant.
Genome position (GRCh38, 1-based): chr22:36,923,355, G>A. VCF-style: chr22-36923355-G-A. GRCh37 (hg19) VCF-style: chr22-37319397-G-A.
Other names: c.188G>A (NM_000395.2); short protein forms R63H.
Identifiers: ClinVar variation 1380501 (VCV001380501.7), dbSNP rs202215481, ClinGen allele CA323985722.